The following is an entry in ClinVar:

ClinVar aggregate classification (germline): Uncertain significance. Review status: criteria provided, multiple submitters, no conflicts (2 of 4 stars). 2 submissions from 2 submitters: Uncertain significance (2). Last evaluated 2026-01-02.

Allele frequency attached by ClinVar (database versions not stated): TOPMed 0.00003; gnomAD 0.00002; ESP Exome Variant Server 0.00008.

Submissions (2):

Labcorp Genetics (formerly Invitae), Labcorp
Classification: Uncertain significance. Last evaluated: 2026-01-02. Review status: criteria provided, single submitter. Criteria: Invitae Variant Classification Sherloc (09022015). Collection method: clinical testing. Allele origin: germline.
Comment: This sequence change replaces arginine, which is basic and polar, with cysteine, which is neutral and slightly polar, at codon 93 of the MAD2L2 protein (p.Arg93Cys). This variant is present in population databases (rs367637499, gnomAD 0.008%). This variant has not been reported in the literature in individuals affected with MAD2L2-related conditions. ClinVar contains an entry for this variant (Variation ID: 2042580). An algorithm developed to predict the effect of missense changes on protein structure and function (PolyPhen-2) suggests that this variant is likely to be disruptive. In summary, the available evidence is currently insufficient to determine the role of this variant in disease. Therefore, it has been classified as a Variant of Uncertain Significance.

Ambry Genetics
Classification: Uncertain significance. Last evaluated: 2024-05-23. Review status: criteria provided, single submitter. Criteria: Ambry Variant Classification Scheme 2023. Collection method: clinical testing. Allele origin: germline.

NM_006341.4(MAD2L2):c.277C>T (p.Arg93Cys)

Gene: MAD2L2 (mitotic arrest deficient 2 like 2; minus strand). Cytogenetic location: 1p36.22.
Variant type: single nucleotide variant.
Coding change: c.277C>T on transcript NM_006341.4 (MANE Select); coding-DNA position 277, C replaced by T.
Protein change: p.Arg93Cys; replaces arginine 93 with cysteine.
Molecular consequence: missense variant.
Genome position (GRCh38, 1-based): chr1:11,676,903, G>A on the plus strand (C>T on the coding strand, the complement: MAD2L2 is on the minus strand). VCF-style: chr1-11676903-G-A. GRCh37 (hg19) VCF-style: chr1-11736960-G-A.
Other names: c.277C>T, p.Arg93Cys (NM_001127325.2); c.277C>T (NM_001127325.1); short protein forms R93C.
Identifiers: ClinVar variation 2042580 (VCV002042580.5), dbSNP rs367637499, ClinGen allele CA593804.